The following is an entry in ClinVar:

ClinVar aggregate classification (germline): Conflicting classifications of pathogenicity. Review status: criteria provided, conflicting classifications (1 of 4 stars). 13 submissions from 9 submitters: Uncertain significance (10); Likely benign (3). Last evaluated 2026-04-28.

Conditions:
Cardiovascular phenotype. Identifiers: MedGen CN230736.
Dilated cardiomyopathy 1G (CMD1G). Identifiers: Orphanet 154, MedGen C1858763, MONDO:0011400, OMIM 604145.
Tibial muscular dystrophy (TMD). Also called: Udd Distal Myopathy – Tibial Muscular Dystrophy; UDD MYOPATHY; Tibial muscular dystrophy, tardive. Identifiers: Orphanet 609, MedGen C1838244, MONDO:0010870, OMIM 600334.
Early-onset myopathy with fatal cardiomyopathy (CMYO5). Also called: CONGENITAL MYOPATHY 5 WITH CARDIOMYOPATHY; Salih Myopathy. Identifiers: Orphanet 289377, MedGen C2673677, MONDO:0012714, OMIM 611705. Disease mechanism: loss of function.
TTN-related disorder. Also called: TTN-related disorders; TTN-related condition; TTN-related disease.
Autosomal recessive limb-girdle muscular dystrophy type 2J (LGMDR10). Also called: Limb-girdle muscular dystrophy, type 2J; MUSCULAR DYSTROPHY, LIMB-GIRDLE, AUTOSOMAL RECESSIVE 10. Identifiers: Orphanet 140922, MedGen C1837342, MONDO:0012127, OMIM 608807.
Myopathy, myofibrillar, 9, with early respiratory failure (MFM9). Also called: MYOPATHY, PROXIMAL, WITH EARLY RESPIRATORY MUSCLE INVOLVEMENT; Hereditary myopathy with early respiratory failure; Myopathy, distal, with early respiratory failure, autosomal dominant; EDSTROM MYOPATHY. Identifiers: Orphanet 178464, Orphanet 34521, MedGen C1863599, MONDO:0011362, OMIM 603689.

Allele frequency attached by ClinVar (database versions not stated): gnomAD exomes 0.00005 and 0.00007; TOPMed 0.00005; ExAC 0.00006; gnomAD 0.00007; ESP Exome Variant Server 0.00025.
gnomAD v4.1: 79 of 1,611,500 alleles (0.0049%); highest among the groups gnomAD compares: Non-Finnish European, 0.0055%; no homozygotes.

Submissions (13):

Women's Health and Genetics/Laboratory Corporation of America, LabCorp
Classification: Uncertain significance. Last evaluated: 2026-04-28. Review status: criteria provided, single submitter. Criteria: LabCorp Variant Classification Summary - May 2015. Collection method: clinical testing. Allele origin: germline.
Comment: Variant summary: TTN NM_133378:c.64522T>G (p.Leu21508Val) (also known as NM_001267550:c.72226T>G (p.Leu24076Val)) results in a conservative amino acid change in the encoded protein sequence. Algorithms developed to predict the effects of missense changes on protein structure and function are either unavailable or disagree on the potential impact of this missense change. The variant allele was found at a frequency of 6.9e-05 in 247578 control chromosomes. This frequency is not significantly higher than the estimated frequency of disease-causing variants in TTN, allowing no conclusion about variant significance. c.64522T>G has been observed in an individual affected with Cardiomyopathy or other related conditions (e.g. Akinrinade_2015, Ambroziak_2025, Maltese_2019) without evidence for causality. These data do not allow any conclusion about the significance of the variant. To our knowledge, no experimental evidence demonstrating an impact on protein function has been reported. The following publications have been ascertained in the context of this evaluation (PMID: 26084686, 40076866, 31539150). ClinVar contains an entry for this variant (Variation ID: 892821). Based on the evidence outlined above, the variant was classified as uncertain significance.

CeGaT Center for Human Genetics Tuebingen
Classification: Uncertain significance. Last evaluated: 2026-03-01. Review status: criteria provided, single submitter. Criteria: CeGaT Center For Human Genetics Tuebingen Variant Classification Criteria Version 2. Collection method: clinical testing. Allele origin: germline. Affected: yes. Observed: 4 variant alleles.

Blueprint Genetics
Classification: Likely benign. Last evaluated: 2024-11-22. Review status: criteria provided, single submitter. Criteria: ACMG Guidelines, 2015. Collection method: clinical testing. Allele origin: germline.

Revvity Omics, Revvity
Classification: Uncertain significance. Last evaluated: 2021-05-27. Review status: criteria provided, single submitter. Criteria: ACMG Guidelines, 2015. Collection method: clinical testing. Allele origin: germline.

Athena Diagnostics
Classification: Uncertain significance. Last evaluated: 2021-02-08. Review status: criteria provided, single submitter. Criteria: Athena Diagnostics criteria. Collection method: clinical testing. Allele origin: unknown.

GeneDx
Classification: Uncertain significance. Last evaluated: 2019-05-31. Review status: criteria provided, single submitter. Criteria: GeneDx Variant Classification Process June 2021. Collection method: clinical testing. Allele origin: germline. Affected: yes.
Comment: Has not been previously published as pathogenic or benign to our knowledge; In silico analysis, which includes splice predictors and evolutionary conservation, suggests this variant may impact gene splicing. In the absence of RNA/functional studies, the actual effect of this sequence change is unknown.

Ambry Genetics
Classification: Uncertain significance for Cardiovascular phenotype. Last evaluated: 2018-05-01. Review status: criteria provided, single submitter. Criteria: Ambry Variant Classification Scheme 2023. Collection method: clinical testing. Allele origin: germline.
Comment: The p.L15011V variant (also known as c.45031T>G), located in coding exon 153 of the TTN gene, results from a T to G substitution at nucleotide position 45031. The leucine at codon 15011 is replaced by valine, an amino acid with highly similar properties. This amino acid position is well conserved in available vertebrate species. In addition, this alteration is predicted to be tolerated by in silico analysis. Since supporting evidence is limited at this time, the clinical significance of this alteration remains unclear.

Illumina Laboratory Services, Illumina
Classification: Likely benign for Myopathy, myofibrillar, 9, with early respiratory failure. Last evaluated: 2018-01-13. Review status: criteria provided, single submitter. Criteria: ICSL Variant Classification Criteria 13 December 2019. Collection method: clinical testing. Allele origin: germline.
Comment: This variant was observed in the ICSL laboratory as part of a predisposition screen in an ostensibly healthy population. It had not been previously curated by ICSL or reported in the Human Gene Mutation Database (HGMD: prior to June 1st, 2018), and was therefore a candidate for classification through an automated scoring system. Utilizing variant allele frequency, disease prevalence and penetrance estimates, and inheritance mode, an automated score was calculated to assess if this variant is too frequent to cause the disease. Based on the score and internal cut-off values, a variant classified as likely benign is not then subjected to further curation. The score for this variant resulted in a classification of likely benign for this disease.

Illumina Laboratory Services, Illumina
Classification: Likely benign for Tibial muscular dystrophy. Last evaluated: 2018-01-13. Review status: criteria provided, single submitter. Criteria: ICSL Variant Classification Criteria 13 December 2019. Collection method: clinical testing. Allele origin: germline.
Comment: the same text as in the submission from Illumina Laboratory Services, Illumina above.

Illumina Laboratory Services, Illumina
Classification: Uncertain significance for Autosomal recessive limb-girdle muscular dystrophy type 2J. Last evaluated: 2018-01-13. Review status: criteria provided, single submitter. Criteria: ICSL Variant Classification Criteria 13 December 2019. Collection method: clinical testing. Allele origin: germline.

Illumina Laboratory Services, Illumina
Classification: Uncertain significance for Early-onset myopathy with fatal cardiomyopathy. Last evaluated: 2018-01-13. Review status: criteria provided, single submitter. Criteria: ICSL Variant Classification Criteria 13 December 2019. Collection method: clinical testing. Allele origin: germline.

Illumina Laboratory Services, Illumina
Classification: Uncertain significance for Dilated cardiomyopathy 1G. Last evaluated: 2018-01-13. Review status: criteria provided, single submitter. Criteria: ICSL Variant Classification Criteria 13 December 2019. Collection method: clinical testing. Allele origin: germline.

Daryl Scott Lab, Baylor College of Medicine
Classification: Uncertain significance for TTN-related disorder. Review status: criteria provided, single submitter. Criteria: ACMG Guidelines, 2015. Collection method: clinical testing. Allele origin: maternal. Affected: yes. Observed: 1 heterozygote.
Comment: No criteria met

Literature cited by the submitters: PubMed 26084686 (cited by Women's Health and Genetics/Laboratory Corporation of America, LabCorp); PubMed 31539150 (cited by Women's Health and Genetics/Laboratory Corporation of America, LabCorp and Athena Diagnostics); PubMed 40076866 (cited by Women's Health and Genetics/Laboratory Corporation of America, LabCorp).

NM_001267550.2(TTN):c.72226T>G (p.Leu24076Val)

Genes: TTN (titin; minus strand), TTN-AS1 (TTN antisense RNA 1; plus strand). Cytogenetic location: 2q31.2.
Variant type: single nucleotide variant.
Coding change: c.72226T>G on transcript NM_001267550.2 (MANE Select); coding-DNA position 72226, T replaced by G.
Protein change: p.Leu24076Val; replaces leucine 24076 with valine.
Molecular consequence: missense variant.
Genome position (GRCh38, 1-based): chr2:178,573,906, A>C on the plus strand (T>G on the coding strand, the complement: TTN is on the minus strand). VCF-style: chr2-178573906-A-C. GRCh37 (hg19) VCF-style: chr2-179438633-A-C.
Other names: c.67303T>G, p.Leu22435Val (NM_001256850.1); c.45031T>G, p.Leu15011Val (NM_003319.4); c.64522T>G, p.Leu21508Val (NM_133378.4); c.45406T>G, p.Leu15136Val (NM_133432.3); c.45607T>G, p.Leu15203Val (NM_133437.4); c.72226T>G (NM_001267550.1); short protein forms L15011V, L15136V, L15203V, L21508V, L22435V, L24076V.
Identifiers: ClinVar variation 892821 (VCV000892821.48), dbSNP rs202098308, ClinGen allele CA1990530.
Genomic context (GRCh38, chr2:178,573,906, plus strand): 5'-CCCTTCTTGTTGAATCTTTGTTTACCAGATTAGTAGAGAAATCTGCAATTTTTATTTCTA[A>C]CTTTGCTGTGCCTTCCAGCTCTTTTCCATCTTTGCTCCATTCCATTGTTGGAGGTGGGCG-3'
Protein context (NP_001254479.2, residues 24066-24086): DGKELEGTAK[Leu24076Val]EIKIADFSTN